The following is an entry in ClinVar:

NM_052947.4(ALPK2):c.3644C>G (p.Ser1215Cys)

Genes: ALPK2 (alpha kinase 2; minus strand), LOC126862764 (BRD4-independent group 4 enhancer GRCh37_chr18:56202574-56203773; plus strand). Cytogenetic location: 18q21.31.
Variant type: single nucleotide variant.
Coding change: c.3644C>G on transcript NM_052947.4 (MANE Select); coding-DNA position 3644, C replaced by G.
Protein change: p.Ser1215Cys; replaces serine 1215 with cysteine.
Molecular consequence: missense variant.
Genome position (GRCh38, 1-based): chr18:58,536,543, G>C on the plus strand (C>G on the coding strand, the complement: ALPK2 is on the minus strand). VCF-style: chr18-58536543-G-C. GRCh37 (hg19) VCF-style: chr18-56203775-G-C.
Other names: short protein forms S1215C.
Identifiers: ClinVar variation 3531566 (VCV003531566.1).

ClinVar aggregate classification (germline): Uncertain significance (1 of 4 stars; one submission).

Submission:

Ambry Genetics
Classification: Uncertain significance. Last evaluated: 2024-09-21. Review status: criteria provided, single submitter. Criteria: Ambry Variant Classification Scheme 2023. Collection method: clinical testing. Allele origin: germline.
Comment: The p.S1215C variant (also known as c.3644C>G), located in coding exon 4 of the ALPK2 gene, results from a C to G substitution at nucleotide position 3644. The serine at codon 1215 is replaced by cysteine, an amino acid with dissimilar properties. This amino acid position is conserved. In addition, this alteration is predicted to be tolerated by in silico analysis. Based on the available evidence, the clinical significance of this variant remains unclear.